The following is an entry in ClinVar:

ClinVar aggregate classification (germline): Uncertain significance. Review status: criteria provided, multiple submitters, no conflicts (2 of 4 stars). 5 submissions from 5 submitters: Uncertain significance (5). Last evaluated 2026-07-02.

Conditions:
Severe early-childhood-onset retinal dystrophy (STGD1). Also called: Stargardt macular dystrophy; Juvenile onset macular degeneration; Stargardt disease 1; MACULAR DYSTROPHY WITH FLECKS, TYPE 1; STGD. Identifiers: Orphanet 364055, Orphanet 827, MedGen C1855465, MeSH D000080362, MONDO:0009549, OMIM 248200.
Retinal dystrophy. Also called: Inherited retinal dystrophy. Identifiers: Orphanet 71862, MedGen C0854723, MeSH D058499, MONDO:0019118, HP:0000556.
ABCA4-related disorder. Also called: ABCA4-related disorders; ABCA4-related condition. Identifiers: MedGen CN239167.

Allele frequency attached by ClinVar (database versions not stated): gnomAD 0.00001; gnomAD exomes 0.00001 and 0.00007; TOPMed 0.00002; ExAC 0.00008.
gnomAD v4.1: 16 of 1,613,948 alleles (0.00099%); highest among the groups gnomAD compares: East Asian, 0.025%; no homozygotes.

Submissions (5):

PreventionGenetics, part of Exact Sciences
Classification: Uncertain significance for ABCA4-related condition. Last evaluated: 2026-07-02. Review status: criteria provided, single submitter. Criteria: ACMG Guidelines, 2015. Collection method: clinical testing. Allele origin: germline.
Comment: The ABCA4 c.5501T>C variant is predicted to result in the amino acid substitution p.Ile1834Thr. This variant was reported, along with a second potentially causative variant in the same gene, in individuals with retinitis pigmentosa (supplementary data, Huang et al. 2018. PubMed ID: 29641573; supplementary data, Chen et al. 2021. PubMed ID: 33608557). This variant is reported in 0.090% of alleles in individuals of East Asian descent in gnomAD. At this time, the clinical significance of this variant is uncertain due to the absence of conclusive functional and genetic evidence.

Dept Of Ophthalmology, Nagoya University
Classification: Uncertain significance for Retinal dystrophy. Last evaluated: 2023-10-01. Review status: criteria provided, single submitter. Criteria: Submitter's publication. Collection method: research. Allele origin: germline. Affected: yes.

Labcorp Genetics (formerly Invitae), Labcorp
Classification: Uncertain significance. Last evaluated: 2022-07-06. Review status: criteria provided, single submitter. Criteria: Invitae Variant Classification Sherloc (09022015). Collection method: clinical testing. Allele origin: germline.
Comment: This sequence change replaces isoleucine, which is neutral and non-polar, with threonine, which is neutral and polar, at codon 1834 of the ABCA4 protein (p.Ile1834Thr). This variant is present in population databases (rs748355733, gnomAD 0.08%). This missense change has been observed in individual(s) with retinitis pigmentosa (PMID: 29641573). ClinVar contains an entry for this variant (Variation ID: 1481089). Algorithms developed to predict the effect of missense changes on protein structure and function are either unavailable or do not agree on the potential impact of this missense change (SIFT: "Deleterious"; PolyPhen-2: "Benign"; Align-GVGD: "Class C65"). In summary, the available evidence is currently insufficient to determine the role of this variant in disease. Therefore, it has been classified as a Variant of Uncertain Significance.

Blueprint Genetics
Classification: Uncertain significance. Last evaluated: 2021-06-03. Review status: criteria provided, single submitter. Criteria: ACMG Guidelines, 2015. Collection method: clinical testing. Allele origin: germline.

Juno Genomics, Hangzhou Juno Genomics, Inc
Classification: Uncertain significance for Severe early-childhood-onset retinal dystrophy. Review status: criteria provided, single submitter. Criteria: ACMG Guidelines, 2015. Collection method: clinical testing. Allele origin: germline.
Comment: Absent from controls (or at extremely low frequency if recessive) in Genome Aggregation Database.;For recessive disorders, detected in trans with a pathogenic variant.;Patient's phenotype or family history is highly specific for a disease with a single genetic etiology.

Literature cited by the submitters: PubMed 29641573 (cited by Labcorp Genetics (formerly Invitae), Labcorp).

NM_000350.3(ABCA4):c.5501T>C (p.Ile1834Thr)

Gene: ABCA4 (ATP binding cassette subfamily A member 4; minus strand). Cytogenetic location: 1p22.1.
Variant type: single nucleotide variant.
Coding change: c.5501T>C on transcript NM_000350.3 (MANE Select); coding-DNA position 5501, T replaced by C.
Protein change: p.Ile1834Thr; replaces isoleucine 1834 with threonine.
Molecular consequence: missense variant.
Genome position (GRCh38, 1-based): chr1:94,011,345, A>G on the plus strand (T>C on the coding strand, the complement: ABCA4 is on the minus strand). VCF-style: chr1-94011345-A-G. GRCh37 (hg19) VCF-style: chr1-94476901-A-G.
Other names: c.5501T>C (NM_000350.2); c.5279T>C, p.Ile1760Thr (NM_001425324.1); short protein forms I1834T, I1760T.
Identifiers: ClinVar variation 1481089 (VCV001481089.7), dbSNP rs748355733, ClinGen allele CA957232.